The following is an entry in ClinVar:

NM_018671.5(UNC45A):c.2641C>T (p.Arg881Trp)

Genes: RCCD1-AS1 (RCCD1 and UNC45A antisense RNA 1; minus strand), UNC45A (unc-45 myosin chaperone A; plus strand). Cytogenetic location: 15q26.1.
Variant type: single nucleotide variant.
Coding change: c.2641C>T on transcript NM_018671.5 (MANE Select); coding-DNA position 2641, C replaced by T.
Protein change: p.Arg881Trp; replaces arginine 881 with tryptophan.
Molecular consequence: missense variant.
Genome position (GRCh38, 1-based): chr15:90,953,522, C>T. VCF-style: chr15-90953522-C-T. GRCh37 (hg19) VCF-style: chr15-91496752-C-T.
Other names: c.2596C>T, p.Arg866Trp (NM_001039675.2, NM_001323621.2); c.2641C>T, p.Arg881Trp (NM_001323619.1); c.2206C>T, p.Arg736Trp (NM_001323620.2); short protein forms R866W, R881W, R736W.
Identifiers: ClinVar variation 1462647 (VCV001462647.4), dbSNP rs764655561, ClinGen allele CA274754271.

ClinVar aggregate classification (germline): Uncertain significance (1 of 4 stars; one submission).

Allele frequency attached by ClinVar (database versions not stated): gnomAD 0.00001; gnomAD exomes 0.00001 and 0.00002; TOPMed 0.00001.
gnomAD v4.1: 28 of 1,613,994 alleles (0.0017%); highest among the groups gnomAD compares: South Asian, 0.0055%; no homozygotes.

Submission:

Labcorp Genetics (formerly Invitae), Labcorp
Classification: Uncertain significance. Last evaluated: 2023-10-13. Review status: criteria provided, single submitter. Criteria: Invitae Variant Classification Sherloc (09022015). Collection method: clinical testing. Allele origin: germline.
Comment: This sequence change replaces arginine, which is basic and polar, with tryptophan, which is neutral and slightly polar, at codon 881 of the UNC45A protein (p.Arg881Trp). This variant is present in population databases (rs764655561, gnomAD 0.003%). This variant has not been reported in the literature in individuals affected with UNC45A-related conditions. ClinVar contains an entry for this variant (Variation ID: 1462647). Advanced modeling of protein sequence and biophysical properties (such as structural, functional, and spatial information, amino acid conservation, physicochemical variation, residue mobility, and thermodynamic stability) performed at Invitae indicates that this missense variant is expected to disrupt UNC45A protein function. In summary, the available evidence is currently insufficient to determine the role of this variant in disease. Therefore, it has been classified as a Variant of Uncertain Significance.